The following is an entry in ClinVar:

NM_000038.6(APC):c.8498G>A (p.Arg2833His)

Gene: APC (APC regulator of Wnt signaling pathway; plus strand). Cytogenetic location: 5q22.2.
Variant type: single nucleotide variant.
Coding change: c.8498G>A on transcript NM_000038.6 (MANE Select); coding-DNA position 8498, G replaced by A.
Protein change: p.Arg2833His; replaces arginine 2833 with histidine.
Molecular consequence: missense variant.
Genome position (GRCh38, 1-based): chr5:112,844,092, G>A. VCF-style: chr5-112844092-G-A. GRCh37 (hg19) VCF-style: chr5-112179789-G-A.
Other names: p.R2833H:CGC>CAC; c.8498G>A, p.Arg2833His (NM_001127510.3, NM_001354895.2); c.8444G>A, p.Arg2815His (NM_001127511.3); c.8552G>A, p.Arg2851His (NM_001354896.2); c.8528G>A, p.Arg2843His (NM_001354897.2); c.8423G>A, p.Arg2808His (NM_001354898.2); c.8414G>A, p.Arg2805His (NM_001354899.2); c.8375G>A, p.Arg2792His (NM_001354900.2); and 6 more; short protein forms R2833H, R2815H, R2550H, R2774H, R2808H, R2732H, R2707H, R2843H.
Identifiers: ClinVar variation 127326 (VCV000127326.19), dbSNP rs587779810, ClinGen allele CA015570.

ClinVar aggregate classification (germline): Uncertain significance. Review status: criteria provided, multiple submitters, no conflicts (2 of 4 stars). 4 submissions from 4 submitters: Uncertain significance (4). Last evaluated 2025-04-08.

Conditions:
Hereditary cancer-predisposing syndrome. Also called: Hereditary Cancer Syndrome; Hereditary neoplastic syndrome; Tumor predisposition; Neoplastic Syndromes, Hereditary. Identifiers: Orphanet 140162, MedGen C0027672, MeSH D009386, MONDO:0015356.
Familial adenomatous polyposis 1 (FAP1). Also called: FAMILIAL ADENOMATOUS POLYPOSIS 1, ATTENUATED; POLYPOSIS, ADENOMATOUS INTESTINAL. Identifiers: MedGen C2713442, MONDO:0021056, OMIM 175100. Disease mechanism: loss of function.

Allele frequency attached by ClinVar (database versions not stated): ExAC 0.00001.
gnomAD v4.1: 3 of 1,611,642 alleles (0.00019%); highest among the groups gnomAD compares: Non-Finnish European, 0.00017%; no homozygotes.

Submissions (4):

Ambry Genetics
Classification: Uncertain significance for Hereditary cancer-predisposing syndrome. Last evaluated: 2025-04-08. Review status: criteria provided, single submitter. Criteria: Ambry Variant Classification Scheme 2023. Collection method: clinical testing. Allele origin: germline.
Comment: The p.R2833H variant (also known as c.8498G>A), located in coding exon 15 of the APC gene, results from a G to A substitution at nucleotide position 8498. The arginine at codon 2833 is replaced by histidine, an amino acid with highly similar properties. This amino acid position is highly conserved in available vertebrate species. In addition, in silico predictors for this gene do not accurately predict pathogenicity. Missense alterations in APC are not a common cause of disease (Spier I et al. Genet Med. 2024 Feb;26(2):100992). Since supporting evidence is limited at this time, the clinical significance of this alteration remains unclear.

Labcorp Genetics (formerly Invitae), Labcorp
Classification: Uncertain significance for Familial adenomatous polyposis 1. Last evaluated: 2025-01-11. Review status: criteria provided, single submitter. Criteria: Invitae Variant Classification Sherloc (09022015). Collection method: clinical testing. Allele origin: germline.
Comment: This sequence change replaces arginine, which is basic and polar, with histidine, which is basic and polar, at codon 2833 of the APC protein (p.Arg2833His). This variant is not present in population databases (gnomAD no frequency). This variant has not been reported in the literature in individuals affected with APC-related conditions. ClinVar contains an entry for this variant (Variation ID: 127326). Invitae Evidence Modeling of protein sequence and biophysical properties (such as structural, functional, and spatial information, amino acid conservation, physicochemical variation, residue mobility, and thermodynamic stability) indicates that this missense variant is not expected to disrupt APC protein function with a negative predictive value of 95%. In summary, the available evidence is currently insufficient to determine the role of this variant in disease. Therefore, it has been classified as a Variant of Uncertain Significance.

Color Diagnostics, LLC DBA Color Health
Classification: Uncertain significance for Hereditary cancer-predisposing syndrome. Last evaluated: 2023-05-02. Review status: criteria provided, single submitter. Criteria: ACMG Guidelines, 2015. Collection method: clinical testing. Allele origin: germline.
Comment: This missense variant replaces arginine with histidine at codon 2833 of the APC protein. Computational prediction is inconclusive regarding the impact of this variant on protein structure and function (internally defined REVEL score threshold 0.5 < inconclusive < 0.7, PMID: 27666373). To our knowledge, functional studies have not been reported for this variant. This variant has not been reported in individuals affected with APC-related disorders in the literature. This variant has not been identified in the general population by the Genome Aggregation Database (gnomAD). The available evidence is insufficient to determine the role of this variant in disease conclusively. Therefore, this variant is classified as a Variant of Uncertain Significance.

GeneDx
Classification: Uncertain significance. Last evaluated: 2013-12-20. Review status: criteria provided, single submitter. Criteria: GeneDx Variant Classification (06012015). Collection method: clinical testing. Allele origin: germline. Affected: yes.
Comment: This variant is denoted APC c.8498G>A at the cDNA level, p.Arg2833His (R2833H) at the protein level, and results in the change of an Arginine to a Histidine (CGC>CAC). This variant has not, to our knowledge, been published in the literature as either a germilne mutation or a benign polymorphism. APC Arg2833His was not observed in approximately 6,500 individuals of European and African American ancestry in the NHLBI Exome Sequencing Project, indicating it is not a common benign variant in these populations. This variant is a conservative substitution of one positive polar amino acid for another, altering a position that is well conserved throughout evolution and is not located in a known functional domain. Multiple in silico algorithms predict that this variant may be damaging to protein structure and function. Based on the currently available information, we consider APC Arg2833His to be a variant of uncertain significance.